The following is an entry in ClinVar:

ClinVar aggregate classification (germline): Uncertain significance. Review status: criteria provided, multiple submitters, no conflicts (2 of 4 stars). 4 submissions from 4 submitters: Uncertain significance (3). 1 of the submissions does not count toward it. Last evaluated 2025-01-23.

Conditions:
Usher syndrome type 1B (USH1B). Also called: Usher syndrome type IB. Identifiers: MedGen C1848638, MONDO:0700087.

Allele frequency attached by ClinVar (database versions not stated): gnomAD exomes 0.00005 and 0.00002; gnomAD 0.00003 and 0.00002; ExAC 0.00006.
gnomAD v4.1: 29 of 1,582,492 alleles (0.0018%); highest among the groups gnomAD compares: East Asian, 0.025%; no homozygotes.

Submissions (5):

GeneDx
Classification: Uncertain significance. Last evaluated: 2025-01-23. Review status: criteria provided, single submitter. Criteria: GeneDx Variant Classification Process June 2021. Collection method: clinical testing. Allele origin: germline. Affected: yes.
Comment: In silico analysis supports that this missense variant has a deleterious effect on protein structure/function; Has not been previously published as pathogenic or benign to our knowledge; In silico analysis suggests this variant may impact gene splicing. In the absence of RNA/functional studies, the actual effect of this sequence change is unknown.

Labcorp Genetics (formerly Invitae), Labcorp
Classification: Uncertain significance. Last evaluated: 2024-10-14. Review status: criteria provided, single submitter. Criteria: Invitae Variant Classification Sherloc (09022015). Collection method: clinical testing. Allele origin: germline.
Comment: This sequence change replaces alanine, which is neutral and non-polar, with threonine, which is neutral and polar, at codon 1618 of the MYO7A protein (p.Ala1618Thr). This variant also falls at the last nucleotide of exon 35, which is part of the consensus splice site for this exon. This variant is present in population databases (rs772542296, gnomAD 0.04%). This variant has not been reported in the literature in individuals affected with MYO7A-related conditions. ClinVar contains an entry for this variant (Variation ID: 969653). An algorithm developed to predict the effect of missense changes on protein structure and function (PolyPhen-2) suggests that this variant¬†is likely to be tolerated. Variants that disrupt the consensus splice site are a relatively common cause of aberrant splicing (PMID: 17576681, 9536098). Algorithms developed to predict the effect of sequence changes on RNA splicing suggest that this variant may disrupt the consensus splice site. In summary, the available evidence is currently insufficient to determine the role of this variant in disease. Therefore, it has been classified as a Variant of Uncertain Significance.

Blueprint Genetics
Classification: Uncertain significance. Last evaluated: 2022-10-24. Review status: criteria provided, single submitter. Criteria: ACMG Guidelines, 2015. Collection method: clinical testing. Allele origin: germline.

Natera, Inc.
Classification: Uncertain significance for Usher syndrome type 1B. Last evaluated: 2020-07-12. Review status: no assertion criteria provided. Collection method: clinical testing. Allele origin: germline. Not counted in ClinVar's aggregate classification.

Dr. Peter K. Rogan Lab, Western University
No classification provided (evidence only). Condition: Gastric cancer. Review status: no classification provided. Collection method: in vitro. Allele origin: not applicable. Functional consequence: retained intron. Not counted in ClinVar's aggregate classification.

Literature cited by the submitters: PubMed 17576681 (cited by Labcorp Genetics (formerly Invitae), Labcorp); PubMed 9536098 (cited by Labcorp Genetics (formerly Invitae), Labcorp).

NM_000260.4(MYO7A):c.4852G>A (p.Ala1618Thr)

Gene: MYO7A (myosin VIIA; plus strand). Cytogenetic location: 11q13.5.
Variant type: single nucleotide variant.
Coding change: c.4852G>A on transcript NM_000260.4 (MANE Select); coding-DNA position 4852, G replaced by A.
Protein change: p.Ala1618Thr; replaces alanine 1618 with threonine.
Molecular consequence: missense variant.
Genome position (GRCh38, 1-based): chr11:77,199,818, G>A. VCF-style: chr11-77199818-G-A. GRCh37 (hg19) VCF-style: chr11-76910863-G-A.
Other names: c.4738G>A, p.Ala1580Thr (NM_001127180.2); c.4705G>A, p.Ala1569Thr (NM_001369365.1); short protein forms A1618T, A1580T, A1569T.
Identifiers: ClinVar variation 969653 (VCV000969653.8), dbSNP rs772542296, ClinGen allele CA6198552.